The following is an entry in ClinVar:

NM_017802.4(DNAAF5):c.388C>T (p.Pro130Ser)

Genes: DNAAF5 (dynein axonemal assembly factor 5; plus strand), PRKAR1B (protein kinase cAMP-dependent type I regulatory subunit beta; minus strand). Cytogenetic location: 7p22.3.
Variant type: single nucleotide variant.
Coding change: c.388C>T on transcript NM_017802.4 (MANE Select); coding-DNA position 388, C replaced by T.
Protein change: p.Pro130Ser; replaces proline 130 with serine.
Molecular consequence: missense variant. On other transcripts: non-coding transcript variant (1), intron variant (3).
Genome position (GRCh38, 1-based): chr7:727,108, C>T. VCF-style: chr7-727108-C-T. GRCh37 (hg19) VCF-style: chr7-766745-C-T.
Other names: c.-23+547G>A (NM_001164759.1); c.-23+482G>A (NM_001164758.2); c.-23+102G>A (NM_001164760.2); short protein forms P130S.
Identifiers: ClinVar variation 2184523 (VCV002184523.4), dbSNP rs1469795759, ClinGen allele CA366530455.

ClinVar aggregate classification (germline): Uncertain significance (1 of 4 stars; one submission).

Conditions:
Primary ciliary dyskinesia. Also called: Ciliary dyskinesia. Identifiers: Orphanet 244, MedGen C0008780, MONDO:0016575, HP:0012265.

gnomAD v4.1: 5 of 1,101,966 alleles (0.00045%); highest among the groups gnomAD compares: South Asian, 0.021%; no homozygotes.

Submission:

Labcorp Genetics (formerly Invitae), Labcorp
Classification: Uncertain significance for Primary ciliary dyskinesia. Last evaluated: 2022-10-31. Review status: criteria provided, single submitter. Criteria: Invitae Variant Classification Sherloc (09022015). Collection method: clinical testing. Allele origin: germline.
Comment: In summary, the available evidence is currently insufficient to determine the role of this variant in disease. Therefore, it has been classified as a Variant of Uncertain Significance. Algorithms developed to predict the effect of missense changes on protein structure and function output the following: SIFT: "Tolerated"; PolyPhen-2: "Benign"; Align-GVGD: "Class C0". The serine amino acid residue is found in multiple mammalian species, which suggests that this missense change does not adversely affect protein function. This variant has not been reported in the literature in individuals affected with DNAAF5-related conditions. The frequency data for this variant in the population databases is considered unreliable, as metrics indicate insufficient coverage at this position in the gnomAD database. This sequence change replaces proline, which is neutral and non-polar, with serine, which is neutral and polar, at codon 130 of the DNAAF5 protein (p.Pro130Ser).